The following is an entry in ClinVar:

ClinVar aggregate classification (germline): Uncertain significance (1 of 4 stars; one submission).

Submission:

GeneDx
Classification: Uncertain significance. Last evaluated: 2024-09-09. Review status: criteria provided, single submitter. Criteria: GeneDx Variant Classification Process June 2021. Collection method: clinical testing. Allele origin: germline. Affected: yes.
Comment: Not observed at significant frequency in large population cohorts (gnomAD); In silico analysis supports that this missense variant has a deleterious effect on protein structure/function; Has not been previously published as pathogenic or benign to our knowledge

NM_001101362.3(KBTBD13):c.404A>C (p.Glu135Ala)

Gene: KBTBD13 (kelch repeat and BTB domain containing 13; plus strand). Cytogenetic location: 15q22.31.
Variant type: single nucleotide variant.
Coding change: c.404A>C on transcript NM_001101362.3 (MANE Select); coding-DNA position 404, A replaced by C.
Protein change: p.Glu135Ala; replaces glutamic acid 135 with alanine.
Molecular consequence: missense variant.
Genome position (GRCh38, 1-based): chr15:65,077,219, A>C. VCF-style: chr15-65077219-A-C. GRCh37 (hg19) VCF-style: chr15-65369557-A-C.
Other names: short protein forms E135A.
Identifiers: ClinVar variation 3767485 (VCV003767485.1).